The following is an entry in ClinVar:

NM_004304.5(ALK):c.2823T>A (p.Asn941Lys)

Gene: ALK (ALK receptor tyrosine kinase; minus strand). Cytogenetic location: 2p23.2.
Variant type: single nucleotide variant.
Coding change: c.2823T>A on transcript NM_004304.5 (MANE Select); coding-DNA position 2823, T replaced by A.
Protein change: p.Asn941Lys; replaces asparagine 941 with lysine.
Molecular consequence: missense variant.
Genome position (GRCh38, 1-based): chr2:29,227,665, A>T on the plus strand (T>A on the coding strand, the complement: ALK is on the minus strand). VCF-style: chr2-29227665-A-T. GRCh37 (hg19) VCF-style: chr2-29450531-A-T.
Other names: short protein forms N941K.
Identifiers: ClinVar variation 1796478 (VCV001796478.6), dbSNP rs2148179417, ClinGen allele CA346468921.
Genomic context (GRCh38, chr2:29,227,665, plus strand): 5'-TGGACTGATGAAGGAAACCCCATCTTCCCCATCCATTTCGGGGTCATTGTTTGAGGCTGC[A>T]TTGCCGCCTGAGTAGCAAACCAGAGCAGAGTTTAACATGGGGGGTGGGTGCCAAAATCTT-3'
Protein context (NP_004295.2, residues 931-951): GGGGGGYIGG[Asn941Lys]AASNNDPEMD

ClinVar aggregate classification (germline): Uncertain significance. Review status: criteria provided, multiple submitters, no conflicts (2 of 4 stars). 2 submissions from 2 submitters: Uncertain significance (2). Last evaluated 2025-07-24.

Conditions:
Neuroblastoma, susceptibility to, 3. Also called: ALK-Related Neuroblastic Tumor Susceptibility. Identifiers: Orphanet 635, MedGen C2751681, MONDO:0013083, OMIM 613014.
Hereditary cancer-predisposing syndrome. Also called: Neoplastic Syndromes, Hereditary; Tumor predisposition; Hereditary neoplastic syndrome; Hereditary Cancer Syndrome. Identifiers: Orphanet 140162, MedGen C0027672, MeSH D009386, MONDO:0015356.

Submissions (2):

Ambry Genetics
Classification: Uncertain significance for Hereditary cancer-predisposing syndrome. Last evaluated: 2025-07-24. Review status: criteria provided, single submitter. Criteria: Ambry Variant Classification Scheme 2023. Collection method: clinical testing. Allele origin: germline.
Comment: The p.N941K variant (also known as c.2823T>A), located in coding exon 17 of the ALK gene, results from a T to A substitution at nucleotide position 2823. The asparagine at codon 941 is replaced by lysine, an amino acid with similar properties. This amino acid position is conserved. In addition, this alteration is predicted to be tolerated by in silico analysis. Based on the available evidence, the clinical significance of this variant remains unclear.

Labcorp Genetics (formerly Invitae), Labcorp
Classification: Uncertain significance for Neuroblastoma, susceptibility to, 3. Last evaluated: 2022-11-07. Review status: criteria provided, single submitter. Criteria: Invitae Variant Classification Sherloc (09022015). Collection method: clinical testing. Allele origin: germline.
Comment: Algorithms developed to predict the effect of missense changes on protein structure and function (SIFT, PolyPhen-2, Align-GVGD) all suggest that this variant is likely to be disruptive. This variant has not been reported in the literature in individuals affected with ALK-related conditions. This variant is not present in population databases (gnomAD no frequency). This sequence change replaces asparagine, which is neutral and polar, with lysine, which is basic and polar, at codon 941 of the ALK protein (p.Asn941Lys). In summary, the available evidence is currently insufficient to determine the role of this variant in disease. Therefore, it has been classified as a Variant of Uncertain Significance.